The following is an entry in ClinVar:

NM_138711.6(PPARG):c.752A>G (p.Asn251Ser)

Gene: PPARG (peroxisome proliferator activated receptor gamma; plus strand). Cytogenetic location: 3p25.2.
Variant type: single nucleotide variant.
Coding change: c.752A>G on transcript NM_138711.6 (MANE Select); coding-DNA position 752, A replaced by G.
Protein change: p.Asn251Ser; replaces asparagine 251 with serine.
Molecular consequence: missense variant. On other transcripts: intron variant (5).
Genome position (GRCh38, 1-based): chr3:12,416,726, A>G. VCF-style: chr3-12416726-A-G. GRCh37 (hg19) VCF-style: chr3-12458225-A-G.
Other names: c.752A>G, p.Asn251Ser (NM_001354666.3, NM_001354667.3, NM_001374263.2 and 3 more transcripts); c.125A>G, p.Asn42Ser (NM_001354669.2); c.842A>G, p.Asn281Ser (NM_015869.5); c.729+10645A>G (NM_001374261.3, NM_001374262.3, NM_001330615.4); c.653+10727A>G (NM_001374266.1); c.819+10645A>G (NM_001374265.1); short protein forms N251S, N42S, N281S.
Identifiers: ClinVar variation 1508623 (VCV001508623.8), dbSNP rs935360461, ClinGen allele CA70184215.

ClinVar aggregate classification (germline): Uncertain significance (1 of 4 stars; one submission).

Allele frequency attached by ClinVar (database versions not stated): gnomAD exomes 0.00001.
gnomAD v4.1: 5 of 1,613,916 alleles (0.00031%); highest among the groups gnomAD compares: Non-Finnish European, 0.00042%; no homozygotes.

Submission:

Labcorp Genetics (formerly Invitae), Labcorp
Classification: Uncertain significance. Last evaluated: 2021-07-17. Review status: criteria provided, single submitter. Criteria: Invitae Variant Classification Sherloc (09022015). Collection method: clinical testing. Allele origin: germline.
Comment: In summary, the available evidence is currently insufficient to determine the role of this variant in disease. Therefore, it has been classified as a Variant of Uncertain Significance. Algorithms developed to predict the effect of missense changes on protein structure and function (SIFT, PolyPhen-2, Align-GVGD) all suggest that this variant is likely to be tolerated. This variant has not been reported in the literature in individuals affected with PPARG-related conditions. This variant is not present in population databases (ExAC no frequency). This sequence change replaces asparagine with serine at codon 281 of the PPARG protein (p.Asn281Ser). The asparagine residue is highly conserved and there is a small physicochemical difference between asparagine and serine.